The following is an entry in ClinVar:

ClinVar aggregate classification (germline): Likely benign (1 of 4 stars; one submission).

Allele frequency attached by ClinVar (database versions not stated): gnomAD exomes below 0.00001.

Submission:

CeGaT Center for Human Genetics Tuebingen
Classification: Likely benign. Last evaluated: 2023-03-01. Review status: criteria provided, single submitter. Criteria: CeGaT Center For Human Genetics Tuebingen Variant Classification Criteria Version 2. Collection method: clinical testing. Allele origin: germline. Affected: yes. Observed: 1 variant allele.
Comment: C4orf54: BP4

NM_001354435.2(C4orf54):c.1841G>T (p.Ser614Ile)

Gene: C4orf54 (chromosome 4 open reading frame 54; minus strand). Cytogenetic location: 4q23.
Variant type: single nucleotide variant.
Coding change: c.1841G>T on transcript NM_001354435.2 (MANE Select); coding-DNA position 1841, G replaced by T.
Protein change: p.Ser614Ile; replaces serine 614 with isoleucine.
Molecular consequence: missense variant.
Genome position (GRCh38, 1-based): chr4:99,652,808, C>A on the plus strand (G>T on the coding strand, the complement: C4orf54 is on the minus strand). VCF-style: chr4-99652808-C-A. GRCh37 (hg19) VCF-style: chr4-100573965-C-A.
Other names: short protein forms S614I.
Identifiers: ClinVar variation 2498956 (VCV002498956.28), dbSNP rs1022953317, ClinGen allele CA357524638.